The following is an entry in ClinVar:

ClinVar aggregate classification (germline): Uncertain significance. Review status: criteria provided, multiple submitters, no conflicts (2 of 4 stars). 3 submissions from 3 submitters: Uncertain significance (3). Last evaluated 2025-03-17.

Conditions:
Inborn genetic diseases. Identifiers: MedGen C0950123, MeSH D030342.
CEP290-related disorder. Also called: CEP290-related condition; CEP290-related disorders. Identifiers: MedGen CN239314.

gnomAD v4.1: 12 of 1,611,866 alleles (0.00074%); highest among the groups gnomAD compares: African/African-American, 0.012%; no homozygotes.

Submissions (3):

PreventionGenetics, part of Exact Sciences
Classification: Uncertain significance for CEP290-related condition. Last evaluated: 2025-03-17. Review status: criteria provided, single submitter. Criteria: ACMG Guidelines, 2015. Collection method: clinical testing. Allele origin: germline.
Comment: The CEP290 c.5192A>C variant is predicted to result in the amino acid substitution p.Lys1731Thr. To our knowledge, this variant has not been reported in the literature. This variant is reported in 0.012% of alleles in individuals of African descent in gnomAD. At this time, the clinical significance of this variant is uncertain due to the absence of conclusive functional and genetic evidence.

Ambry Genetics
Classification: Uncertain significance for Inborn genetic diseases. Last evaluated: 2024-04-27. Review status: criteria provided, single submitter. Criteria: Ambry Variant Classification Scheme 2023. Collection method: clinical testing. Allele origin: germline.

Blueprint Genetics
Classification: Uncertain significance. Last evaluated: 2021-10-25. Review status: criteria provided, single submitter. Criteria: ACMG Guidelines, 2015. Collection method: clinical testing. Allele origin: germline.

NM_025114.4(CEP290):c.5192A>C (p.Lys1731Thr)

Gene: CEP290 (centrosomal protein 290; minus strand). Cytogenetic location: 12q21.32.
Variant type: single nucleotide variant.
Coding change: c.5192A>C on transcript NM_025114.4 (MANE Select); coding-DNA position 5192, A replaced by C.
Protein change: p.Lys1731Thr; replaces lysine 1731 with threonine.
Molecular consequence: missense variant.
Genome position (GRCh38, 1-based): chr12:88,080,216, T>G on the plus strand (A>C on the coding strand, the complement: CEP290 is on the minus strand). VCF-style: chr12-88080216-T-G. GRCh37 (hg19) VCF-style: chr12-88473993-T-G.
Other names: short protein forms K1731T.
Identifiers: ClinVar variation 3266152 (VCV003266152.3).